The following is an entry in ClinVar:

ClinVar aggregate classification (germline): Likely benign. Review status: criteria provided, multiple submitters, no conflicts (2 of 4 stars). 2 submissions from 2 submitters: Likely benign (2). Last evaluated 2022-10-01.

Allele frequency attached by ClinVar (database versions not stated): gnomAD exomes 0.00011; ExAC 0.00014; TOPMed 0.00020; gnomAD 0.00021 and 0.00022; ESP Exome Variant Server 0.00047.
gnomAD v4.1: 303 of 1,209,117 alleles (0.025%); highest among the groups gnomAD compares: Middle Eastern, 0.16%; no homozygotes.

Submissions (2):

CeGaT Center for Human Genetics Tuebingen
Classification: Likely benign. Last evaluated: 2022-10-01. Review status: criteria provided, single submitter. Criteria: CeGaT Center For Human Genetics Tuebingen Variant Classification Criteria Version 2. Collection method: clinical testing. Allele origin: germline. Affected: yes. Observed: 2 variant alleles.
Comment: EIF2S3: BP4, BP7

Genetic Services Laboratory, University of Chicago
Classification: Likely benign. Last evaluated: 2021-06-01. Review status: criteria provided, single submitter. Criteria: ACMG Guidelines, 2015. Collection method: clinical testing. Allele origin: germline. Affected: no.

NM_001415.4(EIF2S3):c.28C>T (p.Leu10=)

Genes: EIF2S3 (eukaryotic translation initiation factor 2 subunit gamma; plus strand), LOC130068055 (ATAC-STARR-seq lymphoblastoid active region 29496; plus strand). Cytogenetic location: Xp22.11.
Variant type: single nucleotide variant.
Coding change: c.28C>T on transcript NM_001415.4 (MANE Select); coding-DNA position 28, C replaced by T.
Protein change: p.Leu10=; no amino-acid change (leucine 10 retained).
Molecular consequence: synonymous variant.
Genome position (GRCh38, 1-based): chrX:24,054,996, C>T. VCF-style: chrX-24054996-C-T. GRCh37 (hg19) VCF-style: chrX-24073113-C-T.
Identifiers: ClinVar variation 810535 (VCV000810535.45), dbSNP rs148505917, ClinGen allele CA10370632.